The following is an entry in ClinVar:

NM_003835.4(RGS9):c.205+2del

Gene: RGS9 (regulator of G protein signaling 9; plus strand). Cytogenetic location: 17q24.1.
Variant type: Deletion.
Coding change: c.205+2del on transcript NM_003835.4 (MANE Select); the canonical splice donor site of the intron after coding-DNA position 205, one base deleted (T; older notation c.205+2delT).
Molecular consequence: splice donor variant.
Genome position (GRCh38, 1-based): chr17:65,158,347, T deleted. VCF-style (leftmost placement, unchanged base first): chr17-65158346-GT-G. GRCh37 (hg19) VCF-style: chr17-63154464-GT-G.
Other names: c.205+2del (NM_001081955.3, NM_001165933.2).
Identifiers: ClinVar variation 2104920 (VCV002104920.4), dbSNP rs2509364075, ClinGen allele CA2580094638.
Genomic context (GRCh38, chr17:65,158,346, plus strand): 5'-GTTTTTCAGGAAGTGATGTTCTGCAATGGATCGTCCAGCGGCTTTGGATCTCCAGTCTGG[GT>G]GAGAGCTCATCTGGCACTCAGTTATCCGGGACAGCTTTGTGTACAGCACCATGGGAGAAA-3'

ClinVar aggregate classification (germline): Likely pathogenic (1 of 4 stars; one submission).

Submission:

Labcorp Genetics (formerly Invitae), Labcorp
Classification: Likely pathogenic. Last evaluated: 2022-04-15. Review status: criteria provided, single submitter. Criteria: Invitae Variant Classification Sherloc (09022015). Collection method: clinical testing. Allele origin: germline.
Comment: In summary, the currently available evidence indicates that the variant is pathogenic, but additional data are needed to prove that conclusively. Therefore, this variant has been classified as Likely Pathogenic. Algorithms developed to predict the effect of sequence changes on RNA splicing suggest that this variant may disrupt the consensus splice site. This variant has not been reported in the literature in individuals affected with RGS9-related conditions. This variant is not present in population databases (gnomAD no frequency). This sequence change affects a splice site in intron 3 of the RGS9 gene. It is expected to disrupt RNA splicing. Variants that disrupt the donor or acceptor splice site typically lead to a loss of protein function (PMID: 16199547), and loss-of-function variants in RGS9 are known to be pathogenic (PMID: 11262419, 14702087).

Literature cited by the submitters: PubMed 16199547; PubMed 11262419; PubMed 14702087.